The following is an entry in ClinVar:

ClinVar aggregate classification (germline): Uncertain significance (1 of 4 stars; one submission).

Conditions:
Brugada syndrome 8 (BRGDA8). Identifiers: Orphanet 130, MedGen C2751083, MONDO:0013148, OMIM 613123.

Submission:

Labcorp Genetics (formerly Invitae), Labcorp
Classification: Uncertain significance for Brugada syndrome 8. Last evaluated: 2023-06-02. Review status: criteria provided, single submitter. Criteria: Invitae Variant Classification Sherloc (09022015). Collection method: clinical testing. Allele origin: germline.
Comment: In summary, the available evidence is currently insufficient to determine the role of this variant in disease. Therefore, it has been classified as a Variant of Uncertain Significance. This variant has not been reported in the literature in individuals affected with HCN4-related conditions. This variant is not present in population databases (gnomAD no frequency). This sequence change creates a premature translational stop signal (p.Gln464*) in the HCN4 gene. It is expected to result in an absent or disrupted protein product. However, the current clinical and genetic evidence is not sufficient to establish whether loss-of-function variants in HCN4 cause disease.

NM_005477.3(HCN4):c.1390C>T (p.Gln464Ter)

Gene: HCN4 (hyperpolarization activated cyclic nucleotide gated potassium channel 4; minus strand). Cytogenetic location: 15q24.1.
Variant type: single nucleotide variant.
Coding change: c.1390C>T on transcript NM_005477.3 (MANE Select); coding-DNA position 1390, C replaced by T.
Protein change: p.Gln464Ter; replaces glutamine 464 with a stop codon.
Molecular consequence: nonsense.
Genome position (GRCh38, 1-based): chr15:73,329,773, G>A on the plus strand (C>T on the coding strand, the complement: HCN4 is on the minus strand). VCF-style: chr15-73329773-G-A. GRCh37 (hg19) VCF-style: chr15-73622114-G-A.
Other names: short protein forms Q464*.
Identifiers: ClinVar variation 2756761 (VCV002756761.3), dbSNP rs2549071439, ClinGen allele CA393094145.